The following is an entry in ClinVar:

NM_000260.4(MYO7A):c.2750del (p.Glu917fs)

Gene: MYO7A (myosin VIIA; plus strand). Cytogenetic location: 11q13.5.
Variant type: Deletion.
Coding change: c.2750del on transcript NM_000260.4 (MANE Select); coding-DNA position 2750, one base deleted (A; older notation c.2750delA).
Protein change: p.Glu917fs; shifts the reading frame from glutamic acid 917.
Molecular consequence: frameshift variant.
Genome position (GRCh38, 1-based): chr11:77,181,435, A deleted. VCF-style (leftmost placement, unchanged base first): chr11-77181434-GA-G. GRCh37 (hg19) VCF-style: chr11-76892480-GA-G.
Other names: c.2750del, p.Glu917fs (NM_001127180.2); c.2717del, p.Glu906fs (NM_001369365.1); short protein forms E906fs, E917fs.
Identifiers: ClinVar variation 802707 (VCV000802707.7), dbSNP rs1591378140, ClinGen allele CA915948769.

ClinVar aggregate classification (germline): Pathogenic. Review status: criteria provided, multiple submitters, no conflicts (2 of 4 stars). 3 submissions from 3 submitters: Pathogenic (3). Last evaluated 2025-11-28.

Conditions:
Autosomal recessive nonsyndromic hearing loss 2. Also called: DEAFNESS, AUTOSOMAL RECESSIVE 2; NEUROSENSORY NONSYNDROMIC RECESSIVE DEAFNESS 2. Identifiers: Orphanet 90636, MedGen C1838701, MONDO:0010807, OMIM 600060.

Submissions (3):

Dasa
Classification: Pathogenic. Last evaluated: 2025-11-28. Review status: criteria provided, single submitter. Criteria: DASA Assertion Criteria. Collection method: clinical testing. Allele origin: germline.
Comment: NM_000260.4(MYO7A):c.2750del (p.Glu917Glyfs*145) introduces a premature termination codon predicted to result in loss of normal protein function. Loss-of-function is an established mechanism of disease for this gene. This variant has been observed in affected individuals with related phenotype in a genotype context consistent with recessive disease. The variant is present at low frequency in population datasets. Based on the available data, this variant is classified as pathogenic.

Labcorp Genetics (formerly Invitae), Labcorp
Classification: Pathogenic. Last evaluated: 2024-04-29. Review status: criteria provided, single submitter. Criteria: Invitae Variant Classification Sherloc (09022015). Collection method: clinical testing. Allele origin: germline.
Comment: This sequence change creates a premature translational stop signal (p.Glu917Glyfs*145) in the MYO7A gene. It is expected to result in an absent or disrupted protein product. Loss-of-function variants in MYO7A are known to be pathogenic (PMID: 8900236, 25404053). This variant is not present in population databases (gnomAD no frequency). This variant has not been reported in the literature in individuals affected with MYO7A-related conditions. ClinVar contains an entry for this variant (Variation ID: 802707). For these reasons, this variant has been classified as Pathogenic.

Mendelics
Classification: Pathogenic for Autosomal recessive nonsyndromic hearing loss 2. Last evaluated: 2019-05-28. Review status: criteria provided, single submitter. Criteria: Mendelics Assertion Criteria 2017. Collection method: clinical testing. Allele origin: unknown.

Literature cited by the submitters: PubMed 8900236 (cited by Labcorp Genetics (formerly Invitae), Labcorp); PubMed 25404053 (cited by Labcorp Genetics (formerly Invitae), Labcorp).